The following is an entry in ClinVar:

NM_001379110.1(SLC9A6):c.448-1G>A

Gene: SLC9A6 (solute carrier family 9 member A6; plus strand). Cytogenetic location: Xq26.3.
Variant type: single nucleotide variant.
Coding change: c.448-1G>A on transcript NM_001379110.1 (MANE Select); the canonical splice acceptor site of the intron before coding-DNA position 448, G replaced by A.
Molecular consequence: splice acceptor variant.
Genome position (GRCh38, 1-based): chrX:135,998,481, G>A. VCF-style: chrX-135998481-G-A. GRCh37 (hg19) VCF-style: chrX-135080640-G-A.
Other names: NC_000023.10:g.135080640G>A; c.448-1G>A (NM_001400909.1, NM_001400910.1, NM_001400911.1 and 2 more transcripts); c.604-1G>A (NM_001042537.2); c.508-1G>A (NM_006359.3); c.352-1G>A (NM_001400913.1, NM_001330652.2).
Identifiers: ClinVar variation 167702 (VCV000167702.10), dbSNP rs797044508, ClinGen allele CA180441.

ClinVar aggregate classification (germline): Pathogenic. Review status: reviewed by expert panel (3 of 4 stars). 3 submissions from 3 submitters: Pathogenic (1). 2 of the submissions do not count toward it. Last evaluated 2021-03-02.

Conditions:
Christianson syndrome (MRXSCH). Also called: X-linked mental retardation, syndromic, Christianson type; SLC9A6-Related Syndromic Mental Retardation; INTELLECTUAL DEVELOPMENTAL DISORDER, X-LINKED, SYNDROMIC, CHRISTIANSON TYPE. Identifiers: Orphanet 85278, MedGen C2678194, MONDO:0010278, OMIM 300243.

Submissions (6):

ClinGen Rett and Angelman-like Disorders Variant Curation Expert Panel
Classification: Pathogenic for Christianson syndrome. Last evaluated: 2021-03-02. Review status: reviewed by expert panel. Criteria: ClinGen RettAS ACMG Specifications V1. Collection method: curation. Allele origin: germline. Inheritance: X-linked inheritance.
Comment: The c.508-1G>A variant in SLC9A6 is predicted to affect a canonical splice site and lead to a truncated or absent protein in a gene where loss-of-function is an established mechanism. There is significant evidence that loss of this region of the gene is pathogenic (PVS1). The c.508-1G>A variant in SLC9A6 has been reported to segregate in three informative meioses (internal database) (PP1_moderate). This variant is absent from gnomAD (PM2_supporting). In summary, the c.508-1G>A variant in GENE is classified as Pathogenic for Christianson syndrome based on the ACMG/AMP criteria (PVS1, PP1_moderate, PM2_supporting).

GeneDx
Classification: Pathogenic. Last evaluated: 2025-05-29. Review status: criteria provided, single submitter. Criteria: GeneDx Variant Classification Process June 2021. Collection method: clinical testing. Allele origin: germline. Affected: yes. Not counted in ClinVar's aggregate classification.
Comment: Reported in an individual with epilepsy; however, patient-specific clinical information was not provided (PMID: 29056246); Canonical splice site variant predicted to result in a null allele in a gene for which loss of function is a known mechanism of disease; Not observed at significant frequency in large population cohorts (gnomAD); This variant is associated with the following publications: (PMID: 29056246)

Eurofins Ntd Llc (ga)
Classification: Pathogenic. Last evaluated: 2014-03-07. Review status: criteria provided, single submitter. Criteria: EGL Classification Definitions 2015. Collection method: clinical testing. Allele origin: germline. Observed: 5 variant alleles, 2 heterozygotes, 2 homozygotes, 1 hemizygote. Not counted in ClinVar's aggregate classification.

Dr. Peter K. Rogan Lab, Western University
No classification provided (evidence only). Condition: Thyroid cancer, nonmedullary, 1. Review status: no classification provided. Collection method: in vitro. Allele origin: not applicable. Functional consequence: retained intron. Not counted in ClinVar's aggregate classification.

Dr. Peter K. Rogan Lab, Western University
No classification provided (evidence only). Condition: Nonpapillary renal cell carcinoma. Review status: no classification provided. Collection method: in vitro. Allele origin: not applicable. Functional consequence: retained intron. Not counted in ClinVar's aggregate classification.

Dr. Peter K. Rogan Lab, Western University
No classification provided (evidence only). Condition: Nonpapillary renal cell carcinoma. Review status: no classification provided. Collection method: in vitro. Allele origin: not applicable. Functional consequence: retained intron. Not counted in ClinVar's aggregate classification.